The following is an entry in ClinVar:

ClinVar aggregate classification (germline): Likely pathogenic. Review status: criteria provided, multiple submitters, no conflicts (2 of 4 stars). 4 submissions from 4 submitters: Likely pathogenic (3). 1 of the submissions does not count toward it. Last evaluated 2025-07-01.

Conditions:
Medium-chain acyl-coenzyme A dehydrogenase deficiency (ACADMD). Also called: MCADH DEFICIENCY; MCADD; Medium chain acyl-CoA dehydrogenase deficiency; MCAD Deficiency; ACADM DEFICIENCY; CARNITINE DEFICIENCY SECONDARY TO MEDIUM-CHAIN ACYL-CoA DEHYDROGENASE DEFICIENCY. Identifiers: Orphanet 42, MedGen C0220710, MONDO:0008721, OMIM 201450.

Allele frequency attached by ClinVar (database versions not stated): gnomAD exomes below 0.00001.
gnomAD v4.1: 5 of 1,606,508 alleles (0.00031%); highest among the groups gnomAD compares: South Asian, 0.0055%; no homozygotes.

Submissions (4):

Natera, Inc.
Classification: Likely pathogenic for Medium Chain Acyl-CoA Dehydrogenase Deficiency. Last evaluated: 2025-07-01. Review status: criteria provided, single submitter. Criteria: Natera Variant Classification Schema (03/2026). Collection method: clinical testing. Allele origin: germline.
Comment: The c.118+1G>T variant in ACADM is a canonical splice donor site variant predicted to affect pre-mRNA splicing, which may result in an abnormal transcript and altered protein product. This variant is expected to result in nonsense mediated decay, truncation, or a dysfunctional protein product. This variant is rare in the general population with a frequency below the threshold expected for the associated phenotype(s). Given the available evidence, this variant is classified as Likely Pathogenic.

Fulgent Genetics
Classification: Likely pathogenic for Medium-chain acyl-coenzyme A dehydrogenase deficiency. Last evaluated: 2024-01-06. Review status: criteria provided, single submitter. Criteria: ACMG Guidelines, 2015. Collection method: clinical testing. Allele origin: germline.

Labcorp Genetics (formerly Invitae), Labcorp
Classification: Likely pathogenic for Medium-chain acyl-coenzyme A dehydrogenase deficiency. Last evaluated: 2023-02-16. Review status: criteria provided, single submitter. Criteria: Invitae Variant Classification Sherloc (09022015). Collection method: clinical testing. Allele origin: germline.
Comment: In summary, the currently available evidence indicates that the variant is pathogenic, but additional data are needed to prove that conclusively. Therefore, this variant has been classified as Likely Pathogenic. Algorithms developed to predict the effect of sequence changes on RNA splicing suggest that this variant may disrupt the consensus splice site. ClinVar contains an entry for this variant (Variation ID: 370561). This variant has not been reported in the literature in individuals affected with ACADM-related conditions. This variant is present in population databases (no rsID available, gnomAD 0.003%). This sequence change affects a donor splice site in intron 2 of the ACADM gene. It is expected to disrupt RNA splicing. Variants that disrupt the donor or acceptor splice site typically lead to a loss of protein function (PMID: 16199547), and loss-of-function variants in ACADM are known to be pathogenic (PMID: 16121256, 20434380).

Counsyl
Classification: Likely pathogenic for Medium-chain acyl-coenzyme A dehydrogenase deficiency. Last evaluated: 2016-03-01. Review status: no assertion criteria provided. Collection method: clinical testing. Allele origin: unknown. Not counted in ClinVar's aggregate classification.

Literature cited by the submitters: PubMed 16199547 (cited by Labcorp Genetics (formerly Invitae), Labcorp); PubMed 16121256 (cited by Labcorp Genetics (formerly Invitae), Labcorp); PubMed 20434380 (cited by Labcorp Genetics (formerly Invitae), Labcorp).

NM_000016.6(ACADM):c.118+1G>T

Gene: ACADM (acyl-CoA dehydrogenase medium chain; plus strand). Cytogenetic location: 1p31.1.
Variant type: single nucleotide variant.
Coding change: c.118+1G>T on transcript NM_000016.6 (MANE Select); the canonical splice donor site of the intron after coding-DNA position 118, G replaced by T.
Molecular consequence: splice donor variant. On other transcripts: intron variant (2).
Genome position (GRCh38, 1-based): chr1:75,728,489, G>T. VCF-style: chr1-75728489-G-T. GRCh37 (hg19) VCF-style: chr1-76194174-G-T.
Other names: c.130+1G>T (NM_001127328.3); c.118+1G>T (NM_001286043.2, NM_000016.5); c.10+3672G>T (NM_001286042.2); c.-268+3672G>T (NM_001286044.2).
Identifiers: ClinVar variation 370561 (VCV000370561.11), dbSNP rs113887538, ClinGen allele CA16040772.